The following is an entry in ClinVar:

ClinVar aggregate classification (germline): Likely pathogenic (1 of 4 stars; one submission).

Conditions:
KCNMA1-related disorder. Also called: KCNMA1-related condition; KCNMA1-related disorders.

Submission:

PreventionGenetics, part of Exact Sciences
Classification: Likely pathogenic for KCNMA1-related condition. Last evaluated: 2023-02-09. Review status: criteria provided, single submitter. Criteria: ACMG Guidelines, 2015. Collection method: clinical testing. Allele origin: germline.
Comment: The KCNMA1 c.2663delC variant is predicted to result in a frameshift and premature protein termination (p.Ala888Glyfs*60). To our knowledge, this variant has not been reported in the literature or in a large population database, indicating this variant is rare. A limited number of protein truncating variants upstream of KCNMA1 c.2663del have been reported in individuals with autosomal recessive cortical atrophy with additional features (Tabarki et al. 2016. PubMed ID: 27567911; Yeşil et al. 2018. PubMed ID: 29545233; Liang et al. 2019. PubMed ID: 31152168). This variant is interpreted as likely pathogenic.

NM_001161352.2(KCNMA1):c.2837del (p.Ala946fs)

Genes: KCNMA1 (potassium calcium-activated channel subfamily M alpha 1; minus strand), KCNMA1-AS1 (KCNMA1 antisense RNA 1; plus strand). Cytogenetic location: 10q22.3.
Variant type: Deletion.
Coding change: c.2837del on transcript NM_001161352.2 (MANE Select); coding-DNA position 2837, one base deleted (C; older notation c.2837delC).
Protein change: p.Ala946fs; shifts the reading frame from alanine 946.
Molecular consequence: frameshift variant.
Genome position (GRCh38, 1-based): chr10:76,944,838, G deleted on the plus strand (C on the coding strand, the reverse complement: KCNMA1 is on the minus strand). VCF-style (leftmost placement, unchanged base first): chr10-76944837-CG-C. GRCh37 (hg19) VCF-style: chr10-78704595-CG-C.
Other names: c.2675del, p.Ala892fs (NM_001014797.3, NM_001322835.2, NM_001322837.2); c.2786del, p.Ala929fs (NM_001161353.2); c.2513del, p.Ala838fs (NM_001271518.2); c.2672del, p.Ala891fs (NM_001271519.2, NM_001322829.2, NM_001322836.2); c.2684del, p.Ala895fs (NM_001322830.2); c.2663del, p.Ala888fs (NM_001322832.2, NM_001410940.1, NM_002247.4); c.2210del, p.Ala737fs (NM_001322838.2); short protein forms A737fs, A838fs, A888fs, A891fs, A892fs, A895fs, A929fs, A946fs.
Identifiers: ClinVar variation 2629023 (VCV002629023.1), dbSNP rs2549937925, ClinGen allele CA2695200854.